The following is an entry in ClinVar:

NM_001377.3(DYNC2H1):c.1959A>C (p.Ser653=)

Gene: DYNC2H1 (dynein cytoplasmic 2 heavy chain 1; plus strand). Cytogenetic location: 11q22.3.
Variant type: single nucleotide variant.
Coding change: c.1959A>C on transcript NM_001377.3 (MANE Select); coding-DNA position 1959, A replaced by C.
Protein change: p.Ser653=; no amino-acid change (serine 653 retained).
Molecular consequence: synonymous variant.
Genome position (GRCh38, 1-based): chr11:103,133,560, A>C. VCF-style: chr11-103133560-A-C. GRCh37 (hg19) VCF-style: chr11-103004289-A-C.
Other names: c.1959A>C, p.Ser653= (NM_001080463.2).
Identifiers: ClinVar variation 4823242 (VCV004823242.4).

ClinVar aggregate classification (germline): Likely benign (1 of 4 stars; one submission).

Submission:

CeGaT Center for Human Genetics Tuebingen
Classification: Likely benign. Last evaluated: 2026-02-01. Review status: criteria provided, single submitter. Criteria: CeGaT Center For Human Genetics Tuebingen Variant Classification Criteria Version 2. Collection method: clinical testing. Allele origin: germline. Affected: yes. Observed: 1 variant allele.
Comment: DYNC2H1: PM2:Supporting, BP4, BP7